The following is an entry in ClinVar:

ClinVar aggregate classification (germline): Uncertain significance. Review status: criteria provided, multiple submitters, no conflicts (2 of 4 stars). 2 submissions from 2 submitters: Uncertain significance (2). Last evaluated 2026-01-28.

Conditions:
PKHD1L1-related disorder. Also called: PKHD1L1-related condition.

gnomAD v4.1: 86 of 1,595,956 alleles (0.0054%); highest among the groups gnomAD compares: African/African-American, 0.099%; no homozygotes.

Submissions (2):

PreventionGenetics, part of Exact Sciences
Classification: Uncertain significance for PKHD1L1-related condition. Last evaluated: 2026-01-28. Review status: criteria provided, single submitter. Criteria: ACMG Guidelines, 2015. Collection method: clinical testing. Allele origin: germline.
Comment: The PKHD1L1 c.9419C>A variant is predicted to result in the amino acid substitution p.Ala3140Asp. To our knowledge, this variant has not been reported in the literature. This variant is reported in 0.10% of alleles in individuals of African descent in gnomAD. Although we suspect that this variant may be benign, at this time, the clinical significance of this variant is uncertain due to the absence of conclusive functional and genetic evidence.

Ambry Genetics
Classification: Uncertain significance. Last evaluated: 2024-07-25. Review status: criteria provided, single submitter. Criteria: Ambry Variant Classification Scheme 2023. Collection method: clinical testing. Allele origin: germline.

NM_177531.6(PKHD1L1):c.9419C>A (p.Ala3140Asp)

Gene: PKHD1L1 (PKHD1 like 1; plus strand). Cytogenetic location: 8q23.1.
Variant type: single nucleotide variant.
Coding change: c.9419C>A on transcript NM_177531.6 (MANE Select); coding-DNA position 9419, C replaced by A.
Protein change: p.Ala3140Asp; replaces alanine 3140 with aspartic acid.
Molecular consequence: missense variant.
Genome position (GRCh38, 1-based): chr8:109,481,524, C>A. VCF-style: chr8-109481524-C-A. GRCh37 (hg19) VCF-style: chr8-110493753-C-A.
Other names: short protein forms A3140D.
Identifiers: ClinVar variation 3419337 (VCV003419337.2).